The following is an entry in ClinVar:

ClinVar aggregate classification (germline): Uncertain significance (1 of 4 stars; one submission).

Conditions:
Arrhythmogenic right ventricular dysplasia 13. Also called: ARRHYTHMOGENIC RIGHT VENTRICULAR CARDIOMYOPATHY 13; Arrhythmogenic right ventricular dysplasia, familial, 13. Identifiers: MedGen C3810138, MONDO:0000908, OMIM 615616.

Allele frequency attached by ClinVar (database versions not stated): TOPMed 0.00002.

Submission:

Labcorp Genetics (formerly Invitae), Labcorp
Classification: Uncertain significance for Arrhythmogenic right ventricular dysplasia 13. Last evaluated: 2025-01-12. Review status: criteria provided, single submitter. Criteria: Invitae Variant Classification Sherloc (09022015). Collection method: clinical testing. Allele origin: germline.
Comment: This sequence change replaces lysine, which is basic and polar, with glutamic acid, which is acidic and polar, at codon 302 of the CTNNA3 protein (p.Lys302Glu). This variant is not present in population databases (gnomAD no frequency). This variant has not been reported in the literature in individuals affected with CTNNA3-related conditions. ClinVar contains an entry for this variant (Variation ID: 541661). An algorithm developed to predict the effect of missense changes on protein structure and function (PolyPhen-2) suggests that this variant is likely to be disruptive. In summary, the available evidence is currently insufficient to determine the role of this variant in disease. Therefore, it has been classified as a Variant of Uncertain Significance.

NM_013266.4(CTNNA3):c.904A>G (p.Lys302Glu)

Gene: CTNNA3 (catenin alpha 3; minus strand). Cytogenetic location: 10q21.3.
Variant type: single nucleotide variant.
Coding change: c.904A>G on transcript NM_013266.4 (MANE Select); coding-DNA position 904, A replaced by G.
Protein change: p.Lys302Glu; replaces lysine 302 with glutamic acid.
Molecular consequence: missense variant.
Genome position (GRCh38, 1-based): chr10:67,180,460, T>C on the plus strand (A>G on the coding strand, the complement: CTNNA3 is on the minus strand). VCF-style: chr10-67180460-T-C. GRCh37 (hg19) VCF-style: chr10-68940218-T-C.
Other names: c.904A>G, p.Lys302Glu (NM_001127384.3); c.940A>G, p.Lys314Glu (NM_001291133.2); short protein forms K302E, K314E.
Identifiers: ClinVar variation 541661 (VCV000541661.8), dbSNP rs970349800, ClinGen allele CA209095557.